The following is an entry in ClinVar:

ClinVar aggregate classification (germline): Likely pathogenic (1 of 4 stars; one submission).

Conditions:
Cone dystrophy 4 (COD4). Identifiers: Orphanet 49382, MedGen C2751308, MONDO:0013129, OMIM 613093.

Submission:

3billion
Classification: Likely pathogenic for Cone dystrophy 4. Last evaluated: 2024-03-10. Review status: criteria provided, single submitter. Criteria: ACMG Guidelines, 2015. Collection method: clinical testing. Allele origin: germline. Affected: yes.
Comment: The variant is not observed in the gnomAD v2.1.1 dataset. Predicted Consequence/Location: Frameshift - predicted to result in a loss or disruption of normal protein function through nonsense-mediated decay (NMD) or protein truncation. Multiple pathogenic variants are reported downstream of the variant. Therefore, the variant is classified as likely pathogenic according to the recommendation of ACMG/AMP guideline.

NM_006204.4(PDE6C):c.81del (p.Lys27fs)

Gene: PDE6C (phosphodiesterase 6C; plus strand). Cytogenetic location: 10q23.33.
Variant type: Deletion.
Coding change: c.81del on transcript NM_006204.4 (MANE Select); coding-DNA position 81, one base deleted (G; older notation c.81delG).
Protein change: p.Lys27fs; shifts the reading frame from lysine 27.
Molecular consequence: frameshift variant.
Genome position (GRCh38, 1-based): chr10:93,612,806, G deleted. VCF-style (leftmost placement, unchanged base first): chr10-93612805-AG-A. GRCh37 (hg19) VCF-style: chr10-95372562-AG-A.
Other names: short protein forms K27fs.
Identifiers: ClinVar variation 3775670 (VCV003775670.1).
Genomic context (GRCh38, chr10:93,612,805, plus strand): 5'-TTGCCGTGGAGAAATACCTGGAGGAGAACCCTCAGTTTGCCAAGGAGTACTTTGACAGGA[AG>A]TTGCGGGTGGAGGTGCTGGGAGAAATCTTCAAGAACAGCCAGGTGCCAGTCCAGTCCAGC-3'